The following is an entry in ClinVar:

NM_005732.4(RAD50):c.3476-18TTC[2]

Genes: TH2LCRR (T helper type 2 locus control region associated RNA; minus strand), TH2-LCR (Th2 cytokine locus control region; plus strand), RAD50 (RAD50 double strand break repair protein; plus strand). Cytogenetic location: 5q31.1.
Variant type: Microsatellite.
Coding change: c.3476-18TTC[2] on transcript NM_005732.4 (MANE Select); two copies in a row of the 3-base unit TTC starting at c.3476-18; the reference has three copies in a row; one copy, 3 bases deleted.
Molecular consequence: intron variant. On other transcripts: non-coding transcript variant (2).
Genome position (GRCh38, 1-based): chr5:132,638,069-132,638,071, TTC deleted; deleting any 3 consecutive bases within chr5:132,638,063-132,638,071 gives the same sequence; the position shown is the placement nearest the transcript's 3' end. VCF-style (leftmost placement, unchanged base first): chr5-132638062-ATTC-A. GRCh37 (hg19) VCF-style: chr5-131973754-ATTC-A.
Other names: c.3476-12_3476-10delTTC (NM_005732.3).
Identifiers: ClinVar variation 182822 (VCV000182822.13), dbSNP rs730881922, ClinGen allele CA299853.

ClinVar aggregate classification (germline): Benign/Likely benign. Review status: criteria provided, multiple submitters, no conflicts (2 of 4 stars). 4 submissions from 4 submitters: Benign (3); Likely benign (1). Last evaluated 2026-01-07.

Conditions:
Hereditary cancer-predisposing syndrome. Also called: Tumor predisposition; Hereditary Cancer Syndrome; Hereditary neoplastic syndrome; Neoplastic Syndromes, Hereditary. Identifiers: Orphanet 140162, MedGen C0027672, MeSH D009386, MONDO:0015356.

Submissions (4):

Labcorp Genetics (formerly Invitae), Labcorp
Classification: Benign for Hereditary cancer-predisposing syndrome. Last evaluated: 2026-01-07. Review status: criteria provided, single submitter. Criteria: Invitae Variant Classification Sherloc (09022015). Collection method: clinical testing. Allele origin: germline.

Women's Health and Genetics/Laboratory Corporation of America, LabCorp
Classification: Benign. Last evaluated: 2018-02-23. Review status: criteria provided, single submitter. Criteria: LabCorp Variant Classification Summary - May 2015. Collection method: clinical testing. Allele origin: germline.
Comment: Variant summary: RAD50 c.3476-12_3476-10delTTC deletes three intronic nucleotides located close to a canonical splice site and therefore could affect mRNA splicing, leading to a significantly altered protein sequence. 5/5 computational tools predict no significant impact on normal splicing. However, these predictions have yet to be confirmed by functional studies. The variant allele was found at a frequency of 0.0019 in 277104 control chromosomes in the gnomAD database, including 5 homozygotes. The observed variant frequency is approximately 30 fold above the estimated maximal expected allele frequency for a pathogenic variant in RAD50 causing Hereditary Breast and Ovarian Cancer phenotype (6.3e-05), strongly suggesting that the variant is benign. To our knowledge, no occurrence of c.3476-12_3476-10delTTC in individuals affected with Hereditary Breast and Ovarian Cancer and no experimental evidence demonstrating its impact on protein function have been reported. No clinical diagnostic laboratories have submitted clinical-significance assessments for this variant to ClinVar after 2014, although one laboratory reported this variant in 2014 and classified it as benign. Based on the evidence outlined above, the variant was classified as benign.

Ambry Genetics
Classification: Likely benign for Hereditary cancer-predisposing syndrome. Last evaluated: 2015-05-14. Review status: criteria provided, single submitter. Criteria: Ambry Variant Classification Scheme 2023. Collection method: clinical testing. Allele origin: germline.

GeneDx
Classification: Benign for Neoplastic Syndromes, Hereditary. Last evaluated: 2014-02-28. Review status: criteria provided, single submitter. Criteria: GeneDx Variant Classification (06012015). Collection method: clinical testing. Allele origin: germline. Affected: yes.
Comment: The variant is found in BR-OV-HEREDIC panel(s).